The following is an entry in ClinVar:

NM_173854.6(SLC41A1):c.235G>T (p.Val79Phe)

Gene: SLC41A1 (solute carrier family 41 member 1; minus strand). Cytogenetic location: 1q32.1.
Variant type: single nucleotide variant.
Coding change: c.235G>T on transcript NM_173854.6 (MANE Select); coding-DNA position 235, G replaced by T.
Protein change: p.Val79Phe; replaces valine 79 with phenylalanine.
Molecular consequence: missense variant.
Genome position (GRCh38, 1-based): chr1:205,810,207, C>A on the plus strand (G>T on the coding strand, the complement: SLC41A1 is on the minus strand). VCF-style: chr1-205810207-C-A. GRCh37 (hg19) VCF-style: chr1-205779335-C-A.
Other names: short protein forms V79F.
Identifiers: ClinVar variation 2006612 (VCV002006612.4), dbSNP rs776123205, ClinGen allele CA344436920.
Genomic context (GRCh38, chr1:205,810,207, plus strand): 5'-CGATGGAAAAGGAGGTCTCCTTGAGCGGGGAAGGTGGCGCAGGGCCACGGTCTGTGCTGA[C>A]GTCGTCACTTTCGTTGCTCTGGCTCCCGTTCTCCAGCAGGGCGTCCTCCTCCCGAACCCC-3'
Protein context (NP_776253.3, residues 69-89): NGSQSNESDD[Val79Phe]STDRGPAPPS

ClinVar aggregate classification (germline): Uncertain significance (1 of 4 stars; one submission).

gnomAD v4.1: 1 of 1,614,250 alleles (0.000062%); highest among the groups gnomAD compares: Non-Finnish European, 0.000085%; no homozygotes.

Submission:

Labcorp Genetics (formerly Invitae), Labcorp
Classification: Uncertain significance. Last evaluated: 2022-10-17. Review status: criteria provided, single submitter. Criteria: Invitae Variant Classification Sherloc (09022015). Collection method: clinical testing. Allele origin: germline.
Comment: In summary, the available evidence is currently insufficient to determine the role of this variant in disease. Therefore, it has been classified as a Variant of Uncertain Significance. This variant is not present in population databases (gnomAD no frequency). This sequence change replaces valine, which is neutral and non-polar, with phenylalanine, which is neutral and non-polar, at codon 79 of the SLC41A1 protein (p.Val79Phe). Algorithms developed to predict the effect of missense changes on protein structure and function are either unavailable or do not agree on the potential impact of this missense change (SIFT: "Deleterious"; PolyPhen-2: "Benign"; Align-GVGD: "Class C0"). This variant has not been reported in the literature in individuals affected with SLC41A1-related conditions.